The following is an entry in ClinVar:

ClinVar aggregate classification (germline): Pathogenic (1 of 4 stars; one submission).

Conditions:
Glutathione synthetase deficiency with 5-oxoprolinuria. Also called: PYROGLUTAMIC ACIDURIA; 5-Oxoprolinuria; Gluthathione synthetase deficiency; 5-OXOPROLINURIA DUE TO GLUTATHIONE SYNTHETASE DEFICIENCY; Reduced glutathione synthetase level. Identifiers: Orphanet 289846, MedGen C0398746, MONDO:0009947, OMIM 266130, HP:0003343.

Submission:

Labcorp Genetics (formerly Invitae), Labcorp
Classification: Pathogenic for Glutathione synthetase deficiency with 5-oxoprolinuria. Last evaluated: 2023-12-10. Review status: criteria provided, single submitter. Criteria: Invitae Variant Classification Sherloc (09022015). Collection method: clinical testing. Allele origin: germline.
Comment: This sequence change creates a premature translational stop signal (p.Gln349Argfs*15) in the GSS gene. It is expected to result in an absent or disrupted protein product. Loss-of-function variants in GSS are known to be pathogenic (PMID: 12638941, 15717202). This variant is not present in population databases (gnomAD no frequency). This variant has not been reported in the literature in individuals affected with GSS-related conditions. Algorithms developed to predict the effect of sequence changes on RNA splicing suggest that this variant may disrupt the consensus splice site. For these reasons, this variant has been classified as Pathogenic.

Literature cited by the submitters: PubMed 12638941; PubMed 15717202.

NM_000178.4(GSS):c.1045del (p.Gln349fs)

Gene: GSS (glutathione synthetase; minus strand). Cytogenetic location: 20q11.22.
Variant type: Deletion.
Coding change: c.1045del on transcript NM_000178.4 (MANE Select); coding-DNA position 1045, one base deleted (C; older notation c.1045delC).
Protein change: p.Gln349fs; shifts the reading frame from glutamine 349.
Molecular consequence: frameshift variant.
Genome position (GRCh38, 1-based): chr20:34,931,402, G deleted on the plus strand (C on the coding strand, the reverse complement: GSS is on the minus strand); the first of 2 consecutive G bases (chr20:34,931,402-34,931,403); deleting either gives the same sequence. VCF-style (leftmost placement, unchanged base first): chr20-34931401-TG-T. GRCh37 (hg19) VCF-style: chr20-33519204-TG-T.
Other names: c.1045del, p.Gln349fs (NM_001322494.1, NM_001322495.1); short protein forms Q349fs.
Identifiers: ClinVar variation 2702032 (VCV002702032.3), dbSNP rs2519019647, ClinGen allele CA2697547358.